The following is an entry in ClinVar:

ClinVar aggregate classification (germline): Uncertain significance (1 of 4 stars; one submission).

Conditions:
Nephronophthisis. Also called: Juvenile Nephronophthisis. Identifiers: Orphanet 655, MedGen C0687120, MONDO:0019005, HP:0000090.
Jeune thoracic dystrophy. Also called: Short-rib thoracic dysplasia; Infantile thoracic dystrophy; Thoracic pelvic phalangeal dystrophy; Jeune's syndrome; Chondroectodermal dysplasia-like syndrome; Jeune syndrome. Identifiers: Orphanet 474, MedGen C0265275, MONDO:0018770.

Submission:

Labcorp Genetics (formerly Invitae), Labcorp
Classification: Uncertain significance for Jeune thoracic dystrophy; Nephronophthisis. Last evaluated: 2022-07-18. Review status: criteria provided, single submitter. Criteria: Invitae Variant Classification Sherloc (09022015). Collection method: clinical testing. Allele origin: germline.
Comment: ClinVar contains an entry for this variant (Variation ID: 1423599). In summary, the available evidence is currently insufficient to determine the role of this variant in disease. Therefore, it has been classified as a Variant of Uncertain Significance. Experimental studies and prediction algorithms are not available or were not evaluated, and the functional significance of this variant is currently unknown. This variant has not been reported in the literature in individuals affected with TTC21B-related conditions. This variant is not present in population databases (gnomAD no frequency). This variant, c.2745_2750del, results in the deletion of 2 amino acid(s) of the TTC21B protein (p.Glu915_Thr916del), but otherwise preserves the integrity of the reading frame.

NM_024753.5(TTC21B):c.2745_2750del (p.Glu915_Thr916del)

Gene: TTC21B (tetratricopeptide repeat domain 21B; minus strand). Cytogenetic location: 2q24.3.
Variant type: Deletion.
Coding change: c.2745_2750del on transcript NM_024753.5 (MANE Select); coding-DNA positions 2745 to 2750, 6 bases deleted (AACAGA; older notation c.2745_2750delAACAGA).
Protein change: p.Glu915_Thr916del.
Molecular consequence: inframe deletion.
Genome position (GRCh38, 1-based): chr2:165,901,729-165,901,734, TCTGTT deleted on the plus strand (AACAGA on the coding strand, the reverse complement: TTC21B is on the minus strand); deleting any 6 consecutive bases within chr2:165,901,729-165,901,736 gives the same sequence; the c. name uses the placement nearest the transcript's 3' end. VCF-style (leftmost placement, unchanged base first): chr2-165901728-ATCTGTT-A. GRCh37 (hg19) VCF-style: chr2-166758238-ATCTGTT-A.
Identifiers: ClinVar variation 1423599 (VCV001423599.8), dbSNP rs2105306008, ClinGen allele CA2573133468.